The following is an entry in ClinVar:

NM_004333.6(BRAF):c.20_21delinsTT (p.Gly7Val)

Gene: BRAF (B-Raf proto-oncogene, serine/threonine kinase; minus strand). Cytogenetic location: 7q34.
Variant type: Indel.
Coding change: c.20_21delinsTT on transcript NM_004333.6 (MANE Select); coding-DNA positions 20 to 21, GC replaced by TT.
Protein change: p.Gly7Val; replaces glycine 7 with valine.
Molecular consequence: missense variant.
Genome position (GRCh38, 1-based): chr7:140,924,683-140,924,684, GC replaced by AA on the plus strand (GC replaced by TT on the coding strand, the reverse complement: BRAF is on the minus strand). VCF-style: chr7-140924683-GC-AA. GRCh37 (hg19) VCF-style: chr7-140624483-GC-AA.
Other names: c.20_21delinsTT, p.Gly7Val (NM_001354609.2, NM_001374244.1, NM_001374258.1 and 7 more transcripts); c.20_21delGCinsTT, p.Gly7Val (NM_004333.4); short protein forms G7V.
Identifiers: ClinVar variation 3363451 (VCV003363451.1).

ClinVar aggregate classification (germline): Uncertain significance (1 of 4 stars; one submission).

Submission:

GeneDx
Classification: Uncertain significance. Last evaluated: 2023-10-24. Review status: criteria provided, single submitter. Criteria: GeneDx Variant Classification Process June 2021. Collection method: clinical testing. Allele origin: germline. Affected: yes.
Comment: Not observed at significant frequency in large population cohorts (gnomAD); In silico analysis supports that this variant does not alter protein structure/function; Has not been previously published as pathogenic or benign to our knowledge